The following is an entry in ClinVar:

ClinVar aggregate classification (germline): Conflicting classifications of pathogenicity. Review status: criteria provided, conflicting classifications (1 of 4 stars). 3 submissions from 3 submitters: Uncertain significance (2); Likely benign (1). Last evaluated 2025-12-01.

Conditions:
Hereditary cancer-predisposing syndrome. Also called: Neoplastic Syndromes, Hereditary; Tumor predisposition; Hereditary Cancer Syndrome; Hereditary neoplastic syndrome. Identifiers: Orphanet 140162, MedGen C0027672, MeSH D009386, MONDO:0015356.
Hereditary breast ovarian cancer syndrome. Also called: Hereditary breast and ovarian cancer; Breast and ovarian cancer; Hereditary breast and/or ovarian cancer syndrome; Hereditary breast and ovarian cancer syndrome (HBOC); BRCA1- and BRCA2-Associated Hereditary Breast and Ovarian Cancer; Hereditary breast and ovarian cancer syndrome. Identifiers: Orphanet 145, MedGen C0677776, MeSH D061325, MONDO:0003582. Disease mechanism: loss of function.

Submissions (3):

Labcorp Genetics (formerly Invitae), Labcorp
Classification: Uncertain significance for Hereditary breast ovarian cancer syndrome. Last evaluated: 2025-12-01. Review status: criteria provided, single submitter. Criteria: Invitae Variant Classification Sherloc (09022015). Collection method: clinical testing. Allele origin: germline.
Comment: This sequence change replaces glutamine, which is neutral and polar, with glutamic acid, which is acidic and polar, at codon 569 of the BRCA2 protein (p.Gln569Glu). This variant is not present in population databases (gnomAD no frequency). This variant has not been reported in the literature in individuals affected with BRCA2-related conditions. ClinVar contains an entry for this variant (Variation ID: 1778428). Invitae Evidence Modeling of protein sequence and biophysical properties (such as structural, functional, and spatial information, amino acid conservation, physicochemical variation, residue mobility, and thermodynamic stability) indicates that this missense variant is not expected to disrupt BRCA2 protein function with a negative predictive value of 95%. In summary, the available evidence is currently insufficient to determine the role of this variant in disease. Therefore, it has been classified as a Variant of Uncertain Significance.

Ambry Genetics
Classification: Uncertain significance for Hereditary cancer-predisposing syndrome. Last evaluated: 2025-05-02. Review status: criteria provided, single submitter. Criteria: Ambry Variant Classification Scheme 2023. Collection method: clinical testing. Allele origin: germline.
Comment: The p.Q569E variant (also known as c.1705C>G), located in coding exon 9 of the BRCA2 gene, results from a C to G substitution at nucleotide position 1705. The glutamine at codon 569 is replaced by glutamic acid, an amino acid with highly similar properties. This amino acid position is conserved. In addition, this alteration is predicted to be tolerated by in silico analysis. Since supporting evidence is limited at this time, the clinical significance of this alteration remains unclear.

University of Washington Department of Laboratory Medicine, University of Washington
Classification: Likely benign for Hereditary cancer-predisposing syndrome. Last evaluated: 2023-03-23. Review status: criteria provided, single submitter. Criteria: Dines et al. (Genet Med. 2020). Collection method: curation. Allele origin: germline.
Comment: Missense variant in a coldspot region where missense variants are very unlikely to be pathogenic (PMID:31911673).

BRCA2 exon 10 coldspot. Reclassification based on statistical prior probability.

NM_000059.4(BRCA2):c.1705C>G (p.Gln569Glu)

Gene: BRCA2 (BRCA2 DNA repair associated; plus strand). Cytogenetic location: 13q13.1.
Variant type: single nucleotide variant.
Coding change: c.1705C>G on transcript NM_000059.4 (MANE Select); coding-DNA position 1705, C replaced by G.
Protein change: p.Gln569Glu; replaces glutamine 569 with glutamic acid.
Molecular consequence: missense variant.
Genome position (GRCh38, 1-based): chr13:32,333,183, C>G. VCF-style: chr13-32333183-C-G. GRCh37 (hg19) VCF-style: chr13-32907320-C-G.
Other names: c.1705C>G, p.Gln569Glu (NM_001406719.1, NM_001406720.1, NM_001406721.1); short protein forms Q569E.
Identifiers: ClinVar variation 1778428 (VCV001778428.6), dbSNP rs397507274, ClinGen allele CA387765263.